The following is an entry in ClinVar:

NM_001105244.2(PTPRM):c.846C>T (p.Pro282=)

Gene: PTPRM (protein tyrosine phosphatase receptor type M; plus strand). Cytogenetic location: 18p11.23.
Variant type: single nucleotide variant.
Coding change: c.846C>T on transcript NM_001105244.2 (MANE Select); coding-DNA position 846, C replaced by T.
Protein change: p.Pro282=; no amino-acid change (proline 282 retained).
Molecular consequence: synonymous variant.
Genome position (GRCh38, 1-based): chr18:7,955,128, C>T. VCF-style: chr18-7955128-C-T. GRCh37 (hg19) VCF-style: chr18-7955126-C-T.
Other names: c.207C>T, p.Pro69= (NM_001378142.1, NM_001378143.1, NM_001378144.1 and 3 more transcripts); c.846C>T, p.Pro282= (NM_002845.4).
Identifiers: ClinVar variation 3050608 (VCV003050608.2), dbSNP rs145680685, ClinGen allele CA8883997.
Genomic context (GRCh38, chr18:7,955,128, plus strand): 5'-TTTAAGACTGAAGACAAAGCATCTGAAAGACAGCTTTCTGGTTTGTCTTTCAGAACCACC[C>T]GTTCCTATTGCCCCACCTCAGCTCGCCTCTGTAGGAGCCACCTACCTGTGGATACAGCTC-3'
Protein context (NP_001098714.1, residues 272-292): NYAELVVKEP[Pro282=]VPIAPPQLAS

ClinVar aggregate classification (germline): Likely benign (0 of 4 stars; one submission).

Conditions:
PTPRM-related disorder. Also called: PTPRM-related condition.

Allele frequency attached by ClinVar (database versions not stated): gnomAD exomes 0.00008; ExAC 0.00009; gnomAD 0.00009; TOPMed 0.00009; 1000 Genomes Project 30x 0.00016; 1000 Genomes Project 0.00020; ESP Exome Variant Server 0.00023.
gnomAD v4.1: 133 of 1,601,954 alleles (0.0083%); highest among the groups gnomAD compares: Non-Finnish European, 0.01%; no homozygotes.

Submission:

PreventionGenetics, part of Exact Sciences
Classification: Likely benign for PTPRM-related condition. Last evaluated: 2019-07-10. Review status: no assertion criteria provided. Collection method: clinical testing. Allele origin: germline.
Comment: This variant is classified as likely benign based on ACMG/AMP sequence variant interpretation guidelines (Richards et al. 2015 PMID: 25741868, with internal and published modifications).